The following is an entry in ClinVar:

NM_000257.4(MYH7):c.1128C>A (p.Asp376Glu)

Gene: MYH7 (myosin heavy chain 7; minus strand). Cytogenetic location: 14q11.2.
Variant type: single nucleotide variant.
Coding change: c.1128C>A on transcript NM_000257.4 (MANE Select); coding-DNA position 1128, C replaced by A.
Protein change: p.Asp376Glu; replaces aspartic acid 376 with glutamic acid.
Molecular consequence: missense variant.
Genome position (GRCh38, 1-based): chr14:23,429,785, G>T on the plus strand (C>A on the coding strand, the complement: MYH7 is on the minus strand). VCF-style: chr14-23429785-G-T. GRCh37 (hg19) VCF-style: chr14-23898994-G-T.
Other names: p.D376E:GAC>GAA; c.1128C>A (LRG_384t1); short protein forms D376E.
Identifiers: ClinVar variation 181170 (VCV000181170.19), dbSNP rs2231126, ClinGen allele CA010232.

ClinVar aggregate classification (germline): Conflicting classifications of pathogenicity. Review status: criteria provided, conflicting classifications (1 of 4 stars). 6 submissions from 6 submitters: Uncertain significance (1); Benign (1); Likely benign (4). Last evaluated 2026-01-30.

Conditions:
MYH7-related disorder. Also called: MYH7-related condition; MYH7-related disease; MYH7-related disorders.
Cardiovascular phenotype. Identifiers: MedGen CN230736.
Cardiomyopathy (CMYO). Also called: Cardiomyopathies. Identifiers: Orphanet 167848, MedGen C0878544, MONDO:0004994, HP:0001638. Inheritance: Various modes of inheritance.
Primary dilated cardiomyopathy (DCM). Also called: Dilated Cardiomyopathy. Identifiers: Orphanet 217604, MedGen C0007193, MeSH D002311, MONDO:0005021, HP:0001644. Inheritance: Various modes of inheritance.
Hypertrophic cardiomyopathy. Also called: HYPERTROPHIC MYOCARDIOPATHY. Identifiers: Orphanet 217569, MedGen C0007194, MeSH D002312, MONDO:0005045, HP:0001639.

gnomAD v4.1: 113 of 1,612,264 alleles (0.007%); highest among the groups gnomAD compares: Admixed American, 0.18%; 1 homozygote.

Submissions (6):

PreventionGenetics, part of Exact Sciences
Classification: Likely benign for MYH7-related condition. Last evaluated: 2026-01-30. Review status: criteria provided, single submitter. Criteria: ACMG Guidelines, 2015. Collection method: clinical testing. Allele origin: germline.
Comment: This variant is classified as likely benign based on ACMG/AMP sequence variant interpretation guidelines (Richards et al. 2015 PMID: 25741868, with internal and published modifications).

Labcorp Genetics (formerly Invitae), Labcorp
Classification: Likely benign for Hypertrophic cardiomyopathy. Last evaluated: 2025-09-23. Review status: criteria provided, single submitter. Criteria: Invitae Variant Classification Sherloc (09022015). Collection method: clinical testing. Allele origin: germline.

Ambry Genetics
Classification: Benign for Cardiovascular phenotype. Last evaluated: 2023-11-16. Review status: criteria provided, single submitter. Criteria: Ambry Variant Classification Scheme 2023. Collection method: clinical testing. Allele origin: germline.

GeneDx
Classification: Likely benign. Last evaluated: 2020-05-05. Review status: criteria provided, single submitter. Criteria: GeneDx Variant Classification Process June 2021. Collection method: clinical testing. Allele origin: germline. Affected: yes.
Comment: In silico analysis supports that this missense variant has a deleterious effect on protein structure/function

Color Diagnostics, LLC DBA Color Health
Classification: Likely benign for Cardiomyopathy. Last evaluated: 2019-01-29. Review status: criteria provided, single submitter. Criteria: ACMG Guidelines, 2015. Collection method: clinical testing. Allele origin: germline.

Center for Human Genetics, University of Leuven
Classification: Uncertain significance for Primary dilated cardiomyopathy. Last evaluated: 2017-02-09. Review status: criteria provided, single submitter. Criteria: ACMG Guidelines, 2015. Collection method: clinical testing. Allele origin: germline. Inheritance: Autosomal dominant inheritance. Affected: yes. Observed: 1 variant allele.
Comment: ACMG score unknown significance